The following is an entry in ClinVar:

NM_005618.4(DLL1):c.354C>T (p.Gly118=)

Gene: DLL1 (delta like canonical Notch ligand 1; minus strand). Cytogenetic location: 6q27.
Variant type: single nucleotide variant.
Coding change: c.354C>T on transcript NM_005618.4 (MANE Select); coding-DNA position 354, C replaced by T.
Protein change: p.Gly118=; no amino-acid change (glycine 118 retained).
Molecular consequence: synonymous variant.
Genome position (GRCh38, 1-based): chr6:170,288,787, G>A on the plus strand (C>T on the coding strand, the complement: DLL1 is on the minus strand). VCF-style: chr6-170288787-G-A. GRCh37 (hg19) VCF-style: chr6-170597875-G-A.
Identifiers: ClinVar variation 4084999 (VCV004084999.8).

ClinVar aggregate classification (germline): Likely benign (1 of 4 stars; one submission).

gnomAD v4.1: 6 of 1,614,128 alleles (0.00037%); highest among the groups gnomAD compares: Non-Finnish European, 0.00051%; no homozygotes.

Submission:

CeGaT Center for Human Genetics Tuebingen
Classification: Likely benign. Last evaluated: 2025-08-01. Review status: criteria provided, single submitter. Criteria: CeGaT Center For Human Genetics Tuebingen Variant Classification Criteria Version 2. Collection method: clinical testing. Allele origin: germline. Affected: yes. Observed: 1 variant allele.
Comment: DLL1: BP4, BP7